The following is an entry in ClinVar:

ClinVar aggregate classification (germline): Uncertain significance. Review status: criteria provided, multiple submitters, no conflicts (2 of 4 stars). 5 submissions from 5 submitters: Uncertain significance (5). Last evaluated 2025-03-04.

Conditions:
Hereditary cancer-predisposing syndrome. Also called: Hereditary Cancer Syndrome; Neoplastic Syndromes, Hereditary; Tumor predisposition; Hereditary neoplastic syndrome. Identifiers: Orphanet 140162, MedGen C0027672, MeSH D009386, MONDO:0015356.
BAP1-related tumor predisposition syndrome (TPDS1). Also called: Tumor susceptibility linked to germline BAP1 mutations; BAP1 tumor predisposition syndrome; COMMON Syndrome; TUMOR PREDISPOSITION SYNDROME 1. Identifiers: Orphanet 289539, MedGen C3280492, MONDO:0013692, OMIM 614327.
Kury-Isidor syndrome (KURIS). Identifiers: MedGen C5676925, MONDO:0859230, OMIM 619762.
Melanoma, uveal, susceptibility to, 2 (UVM2). Also called: Melanoma, uveal 2. Identifiers: Orphanet 39044, MedGen C1847723, MONDO:0011696, OMIM 606661.

gnomAD v4.1: 9 of 1,613,766 alleles (0.00056%); highest among the groups gnomAD compares: Non-Finnish European, 0.00076%; no homozygotes.

Submissions (5):

Center for Genomic Medicine, Rigshospitalet, Copenhagen University Hospital
Classification: Uncertain significance. Last evaluated: 2025-03-04. Review status: criteria provided, single submitter. Criteria: ACMG Guidelines, 2015. Collection method: clinical testing. Allele origin: germline.

Labcorp Genetics (formerly Invitae), Labcorp
Classification: Uncertain significance for BAP1-related tumor predisposition syndrome. Last evaluated: 2024-10-22. Review status: criteria provided, single submitter. Criteria: Invitae Variant Classification Sherloc (09022015). Collection method: clinical testing. Allele origin: germline.
Comment: This sequence change replaces proline, which is neutral and non-polar, with leucine, which is neutral and non-polar, at codon 572 of the BAP1 protein (p.Pro572Leu). This variant is not present in population databases (gnomAD no frequency). This variant has not been reported in the literature in individuals affected with BAP1-related conditions. ClinVar contains an entry for this variant (Variation ID: 490807). Invitae Evidence Modeling of protein sequence and biophysical properties (such as structural, functional, and spatial information, amino acid conservation, physicochemical variation, residue mobility, and thermodynamic stability) indicates that this missense variant is not expected to disrupt BAP1 protein function with a negative predictive value of 80%. In summary, the available evidence is currently insufficient to determine the role of this variant in disease. Therefore, it has been classified as a Variant of Uncertain Significance.

Ambry Genetics
Classification: Uncertain significance for Hereditary cancer-predisposing syndrome. Last evaluated: 2024-08-19. Review status: criteria provided, single submitter. Criteria: Ambry Variant Classification Scheme 2023. Collection method: clinical testing. Allele origin: germline.
Comment: The p.P572L variant (also known as c.1715C>T), located in coding exon 13 of the BAP1 gene, results from a C to T substitution at nucleotide position 1715. The proline at codon 572 is replaced by leucine, an amino acid with similar properties. This amino acid position is well conserved in available vertebrate species. In addition, this alteration is predicted to be tolerated by in silico analysis. Since supporting evidence is limited at this time, the clinical significance of this alteration remains unclear.

Fulgent Genetics
Classification: Uncertain significance for Melanoma, uveal, susceptibility to, 2; BAP1-related tumor predisposition syndrome; Kury-Isidor syndrome. Last evaluated: 2024-01-13. Review status: criteria provided, single submitter. Criteria: ACMG Guidelines, 2015. Collection method: clinical testing. Allele origin: germline.

Color Diagnostics, LLC DBA Color Health
Classification: Uncertain significance for Hereditary cancer-predisposing syndrome. Last evaluated: 2021-12-05. Review status: criteria provided, single submitter. Criteria: ACMG Guidelines, 2015. Collection method: clinical testing. Allele origin: germline.
Comment: This missense variant replaces proline with leucine at codon 572 of the BAP1 protein. Computational prediction is inconclusive regarding the impact of this variant on protein structure and function (internally defined REVEL score threshold 0.5 < inconclusive < 0.7, PMID: 27666373). To our knowledge, functional studies have not been reported for this variant. This variant has been reported in a heterozygous individual affected with an unspecified cancer (PMID: 28873162). This variant has not been identified in the general population by the Genome Aggregation Database (gnomAD). The available evidence is insufficient to determine the role of this variant in disease conclusively. Therefore, this variant is classified as a Variant of Uncertain Significance.

Literature cited by the submitters: PubMed 28873162 (cited by Color Diagnostics, LLC DBA Color Health).

NM_004656.4(BAP1):c.1715C>T (p.Pro572Leu)

Gene: BAP1 (BRCA1 associated deubiquitinase 1; minus strand). Cytogenetic location: 3p21.1.
Variant type: single nucleotide variant.
Coding change: c.1715C>T on transcript NM_004656.4 (MANE Select); coding-DNA position 1715, C replaced by T.
Protein change: p.Pro572Leu; replaces proline 572 with leucine.
Molecular consequence: missense variant.
Genome position (GRCh38, 1-based): chr3:52,403,430, G>A on the plus strand (C>T on the coding strand, the complement: BAP1 is on the minus strand). VCF-style: chr3-52403430-G-A. GRCh37 (hg19) VCF-style: chr3-52437446-G-A.
Other names: short protein forms P572L.
Identifiers: ClinVar variation 490807 (VCV000490807.16), dbSNP rs1553644798, ClinGen allele CA353099582.